The following is an entry in ClinVar:

ClinVar aggregate classification (germline): Uncertain significance. Review status: criteria provided, multiple submitters, no conflicts (2 of 4 stars). 2 submissions from 2 submitters: Uncertain significance (2). Last evaluated 2026-02-23.

Conditions:
ANKRD26-related disorder. Also called: ANKRD26-related condition.

gnomAD v4.1: 58 of 1,164,668 alleles (0.005%); highest among the groups gnomAD compares: Admixed American, 0.0055%; no homozygotes.

Submissions (2):

PreventionGenetics, part of Exact Sciences
Classification: Uncertain significance for ANKRD26-related condition. Last evaluated: 2026-02-23. Review status: criteria provided, single submitter. Criteria: ACMG Guidelines, 2015. Collection method: clinical testing. Allele origin: germline.
Comment: The ANKRD26 c.-154C>T variant is located in the 5' untranslated region. To our knowledge, this variant has not been reported in the literature. Variants in the 5’ UTR of the ANKRD26 gene, such as c.-127A>T and c.-134G>A, are linked to autosomal dominant thrombocytopenia and have also been associated with predisposition to myeloid malignancies with incomplete penetrance (Noris et al. 2013. PubMed ID: 24030261; Marquez et al. 2014. PubMed ID: 24628296). This variant is reported in 0.029% of alleles in individuals of European (Finnish) descent in gnomAD. Although we suspect that this variant may be benign, at this time, the clinical significance of this variant is uncertain due to the absence of conclusive functional and genetic evidence.

Labcorp Genetics (formerly Invitae), Labcorp
Classification: Uncertain significance. Last evaluated: 2025-10-07. Review status: criteria provided, single submitter. Criteria: Invitae Variant Classification Sherloc (09022015). Collection method: clinical testing. Allele origin: germline.
Comment: This variant occurs in a non-coding region of the ANKRD26 gene. It does not change the encoded amino acid sequence of the ANKRD26 protein. This variant is present in population databases (no rsID available, gnomAD 0.03%). This variant has not been reported in the literature in individuals affected with ANKRD26-related conditions. ClinVar contains an entry for this variant (Variation ID: 2969511). In summary, the available evidence is currently insufficient to determine the role of this variant in disease. Therefore, it has been classified as a Variant of Uncertain Significance.

NM_014915.3(ANKRD26):c.-154C>T

Gene: ANKRD26 (ankyrin repeat domain 26; minus strand). Cytogenetic location: 10p12.1.
Variant type: single nucleotide variant.
Coding change: c.-154C>T on transcript NM_014915.3 (MANE Select); 154 bases upstream of the start codon, C replaced by T.
Molecular consequence: 5 prime UTR variant.
Genome position (GRCh38, 1-based): chr10:27,100,480, G>A on the plus strand (C>T on the coding strand, the complement: ANKRD26 is on the minus strand). VCF-style: chr10-27100480-G-A. GRCh37 (hg19) VCF-style: chr10-27389409-G-A.
Other names: c.-154C>T (NM_001256053.2).
Identifiers: ClinVar variation 2969511 (VCV002969511.4), dbSNP rs1005624708, ClinGen allele CA204453898.